The following is an entry in ClinVar:

ClinVar aggregate classification (germline): Uncertain significance. Review status: criteria provided, multiple submitters, no conflicts (2 of 4 stars). 2 submissions from 2 submitters: Uncertain significance (2). Last evaluated 2026-05-26.

Conditions:
SCLT1-related disorder. Also called: SCLT1-related condition.

gnomAD v4.1: 29 of 1,612,352 alleles (0.0018%); highest among the groups gnomAD compares: Non-Finnish European, 0.0025%; no homozygotes.

Submissions (2):

PreventionGenetics, part of Exact Sciences
Classification: Uncertain significance for SCLT1-related condition. Last evaluated: 2026-05-26. Review status: criteria provided, single submitter. Criteria: ACMG Guidelines, 2015. Collection method: clinical testing. Allele origin: germline.
Comment: The SCLT1 c.1515C>G variant is predicted to result in the amino acid substitution p.Asn505Lys. To our knowledge, this variant has not been reported in the literature. This variant is reported in 0.0065% of alleles in individuals of European (Non-Finnish) descent in gnomAD. At this time, the clinical significance of this variant is uncertain due to the absence of conclusive functional and genetic evidence.

Blueprint Genetics
Classification: Uncertain significance. Last evaluated: 2022-01-28. Review status: criteria provided, single submitter. Criteria: ACMG Guidelines, 2015. Collection method: clinical testing. Allele origin: germline.

NM_144643.4(SCLT1):c.1515C>G (p.Asn505Lys)

Gene: SCLT1 (sodium channel and clathrin linker 1; minus strand). Cytogenetic location: 4q28.2.
Variant type: single nucleotide variant.
Coding change: c.1515C>G on transcript NM_144643.4 (MANE Select); coding-DNA position 1515, C replaced by G.
Protein change: p.Asn505Lys; replaces asparagine 505 with lysine.
Molecular consequence: missense variant. On other transcripts: intron variant (1).
Genome position (GRCh38, 1-based): chr4:128,943,113, G>C on the plus strand (C>G on the coding strand, the complement: SCLT1 is on the minus strand). VCF-style: chr4-128943113-G-C. GRCh37 (hg19) VCF-style: chr4-129864268-G-C.
Other names: c.1439+2894C>G (NM_001410807.1); c.1515C>G (NM_144643.3); short protein forms N505K.
Identifiers: ClinVar variation 4968625 (VCV004968625.2).